The following is an entry in ClinVar:

NM_001283009.2(RTEL1):c.2636G>T (p.Arg879Leu)

Genes: RTEL1 (regulator of telomere elongation helicase 1; plus strand), RTEL1-TNFRSF6B (RTEL1-TNFRSF6B readthrough (NMD candidate); plus strand). Cytogenetic location: 20q13.33.
Variant type: single nucleotide variant.
Coding change: c.2636G>T on transcript NM_001283009.2 (MANE Select); coding-DNA position 2636, G replaced by T.
Protein change: p.Arg879Leu; replaces arginine 879 with leucine.
Molecular consequence: missense variant. On other transcripts: non-coding transcript variant (1).
Genome position (GRCh38, 1-based): chr20:63,691,821, G>T. VCF-style: chr20-63691821-G-T. GRCh37 (hg19) VCF-style: chr20-62323174-G-T.
Other names: c.1967G>T, p.Arg656Leu (NM_001283010.1); c.2636G>T, p.Arg879Leu (NM_016434.4); c.2708G>T, p.Arg903Leu (NM_032957.5); short protein forms R879L, R903L, R656L.
Identifiers: ClinVar variation 647441 (VCV000647441.8), dbSNP rs770539835, ClinGen allele CA9965440.
Genomic context (GRCh38, chr20:63,691,821, plus strand): 5'-TGTCCCTCCTGTCTGAGAAGAGGCCGGCAGAAGAACCGCGAGGAGGGAGGAAGAAGATCC[G>T]GCTGGTCAGCCACCCGGTGCGTGAGCTGTCCCTGCACCTGTGCCGACCACCATAGACACG-3'
Protein context (NP_001269938.1, residues 869-889): EEPRGGRKKI[Arg879Leu]LVSHPEEPVA

ClinVar aggregate classification (germline): Uncertain significance. Review status: criteria provided, multiple submitters, no conflicts (2 of 4 stars). 3 submissions from 3 submitters: Uncertain significance (2). 1 of the submissions does not count toward it. Last evaluated 2022-05-30.

Conditions:
Pulmonary fibrosis and/or bone marrow failure, Telomere-related, 3. Also called: PULMONARY FIBROSIS AND/OR BONE MARROW FAILURE SYNDROME, TELOMERE-RELATED, 3. Identifiers: Orphanet 2032, MedGen C4225346, MONDO:0014613, OMIM 616373.
Dyskeratosis congenita, autosomal recessive 5 (DKCB5). Identifiers: MedGen C3554656, MONDO:0014076, OMIM 615190.
Dyskeratosis congenita. Identifiers: Orphanet 1775, MedGen C0265965, MONDO:0015780.

gnomAD v4.1: 2 of 1,611,344 alleles (0.00012%); highest among the groups gnomAD compares: East Asian, 0.0022%; no homozygotes.

Submissions (3):

Labcorp Genetics (formerly Invitae), Labcorp
Classification: Uncertain significance for Dyskeratosis congenita, autosomal recessive 5; Pulmonary fibrosis and/or bone marrow failure, Telomere-related, 3. Last evaluated: 2022-05-30. Review status: criteria provided, single submitter. Criteria: Invitae Variant Classification Sherloc (09022015). Collection method: clinical testing. Allele origin: germline.
Comment: This sequence change replaces arginine, which is basic and polar, with leucine, which is neutral and non-polar, at codon 879 of the RTEL1 protein (p.Arg879Leu). This variant is present in population databases (rs770539835, gnomAD 0.006%). This variant has not been reported in the literature in individuals affected with RTEL1-related conditions. ClinVar contains an entry for this variant (Variation ID: 647441). Algorithms developed to predict the effect of missense changes on protein structure and function are either unavailable or do not agree on the potential impact of this missense change (SIFT: "Deleterious"; PolyPhen-2: "Possibly Damaging"; Align-GVGD: "Class C0"). In summary, the available evidence is currently insufficient to determine the role of this variant in disease. Therefore, it has been classified as a Variant of Uncertain Significance.

GeneDx
Classification: Uncertain significance. Last evaluated: 2020-05-18. Review status: criteria provided, single submitter. Criteria: GeneDx Variant Classification Process June 2021. Collection method: clinical testing. Allele origin: germline. Affected: yes.
Comment: Not observed at a significant frequency in large population cohorts (Lek 2016); In silico analysis supports that this missense variant has a deleterious effect on protein structure/function; Has not been previously published as pathogenic or benign to our knowledge

Natera, Inc.
Classification: Uncertain significance for Dyskeratosis congenita. Last evaluated: 2021-06-24. Review status: no assertion criteria provided. Collection method: clinical testing. Allele origin: germline. Not counted in ClinVar's aggregate classification.